The following is an entry in ClinVar:

ClinVar aggregate classification (germline): Uncertain significance. Review status: criteria provided, multiple submitters, no conflicts (2 of 4 stars). 2 submissions from 2 submitters: Uncertain significance (2). Last evaluated 2023-04-06.

Conditions:
Hereditary cancer-predisposing syndrome. Also called: Hereditary neoplastic syndrome; Neoplastic Syndromes, Hereditary; Tumor predisposition; Hereditary Cancer Syndrome. Identifiers: Orphanet 140162, MedGen C0027672, MeSH D009386, MONDO:0015356.
Familial cancer of breast. Also called: hereditary breast carcinoma; BREAST CANCER, FAMILIAL; Hereditary breast cancer. Identifiers: Orphanet 227535, MedGen C0346153, MONDO:0016419, OMIM 114480. Disease mechanism: loss of function.

Submissions (2):

Labcorp Genetics (formerly Invitae), Labcorp
Classification: Uncertain significance for Familial cancer of breast. Last evaluated: 2023-04-06. Review status: criteria provided, single submitter. Criteria: Invitae Variant Classification Sherloc (09022015). Collection method: clinical testing. Allele origin: germline.
Comment: This sequence change replaces proline, which is neutral and non-polar, with serine, which is neutral and polar, at codon 1153 of the PALB2 protein (p.Pro1153Ser). This variant is not present in population databases (gnomAD no frequency). This variant has not been reported in the literature in individuals affected with PALB2-related conditions. ClinVar contains an entry for this variant (Variation ID: 836390). An algorithm developed to predict the effect of missense changes on protein structure and function (PolyPhen-2) suggests that this variant is likely to be disruptive. In summary, the available evidence is currently insufficient to determine the role of this variant in disease. Therefore, it has been classified as a Variant of Uncertain Significance.

Ambry Genetics
Classification: Uncertain significance for Hereditary cancer-predisposing syndrome. Last evaluated: 2022-03-16. Review status: criteria provided, single submitter. Criteria: Ambry Variant Classification Scheme 2023. Collection method: clinical testing. Allele origin: germline.
Comment: The p.P1153S variant (also known as c.3457C>T), located in coding exon 13 of the PALB2 gene, results from a C to T substitution at nucleotide position 3457. The proline at codon 1153 is replaced by serine, an amino acid with similar properties. This amino acid position is conserved. In addition, this alteration is predicted to be tolerated by in silico analysis. Since supporting evidence is limited at this time, the clinical significance of this alteration remains unclear.

NM_024675.4(PALB2):c.3457C>T (p.Pro1153Ser)

Gene: PALB2 (partner and localizer of BRCA2; minus strand). Cytogenetic location: 16p12.2.
Variant type: single nucleotide variant.
Coding change: c.3457C>T on transcript NM_024675.4 (MANE Select); coding-DNA position 3457, C replaced by T.
Protein change: p.Pro1153Ser; replaces proline 1153 with serine.
Molecular consequence: missense variant.
Genome position (GRCh38, 1-based): chr16:23,603,563, G>A on the plus strand (C>T on the coding strand, the complement: PALB2 is on the minus strand). VCF-style: chr16-23603563-G-A. GRCh37 (hg19) VCF-style: chr16-23614884-G-A.
Other names: short protein forms P1153S.
Identifiers: ClinVar variation 836390 (VCV000836390.13), dbSNP rs1966399624, ClinGen allele CA395138077.
Genomic context (GRCh38, chr16:23,603,563, plus strand): 5'-CCAGCAAATGAGAGTCTGTACCCGACCATTTCACAAAAGACCAATGTTGGTCAGAGACAG[G>A]TGGGAGGAGGGCAGTACACTGACCGAGAAGTAAGTCCCAAATGGCAATTGTTCCAGAAGT-3'
Protein context (NP_078951.2, residues 1143-1163): LLGQCTALLP[Pro1153Ser]VSDQHWSFVK